The following is an entry in ClinVar:

NM_022114.4(PRDM16):c.132G>A (p.Ser44=)

Gene: PRDM16 (PR/SET domain 16; plus strand). Cytogenetic location: 1p36.32.
Variant type: single nucleotide variant.
Coding change: c.132G>A on transcript NM_022114.4 (MANE Select); coding-DNA position 132, G replaced by A.
Protein change: p.Ser44=; no amino-acid change (serine 44 retained).
Molecular consequence: synonymous variant.
Genome position (GRCh38, 1-based): chr1:3,186,219, G>A. VCF-style: chr1-3186219-G-A. GRCh37 (hg19) VCF-style: chr1-3102783-G-A.
Other names: c.132G>A, p.Ser44= (NM_199454.3); c.132G>A (NM_022114.3).
Identifiers: ClinVar variation 1590141 (VCV001590141.11), dbSNP rs373546344, ClinGen allele CA17293991.

ClinVar aggregate classification (germline): Likely benign. Review status: criteria provided, single submitter (1 of 4 stars). 2 submissions from 2 submitters: Likely benign (1). 1 of the submissions does not count toward it. Last evaluated 2022-10-17.

Conditions:
PRDM16-related disorder. Also called: PRDM16-related condition.
Left ventricular noncompaction 8 (LVNC8). Identifiers: Orphanet 154, Orphanet 54260, MedGen C3809288, MONDO:0014152, OMIM 615373.

Allele frequency attached by ClinVar (database versions not stated): gnomAD 0.00001 and 0.00002; gnomAD exomes 0.00001; TOPMed 0.00002; 1000 Genomes Project 30x 0.00016; 1000 Genomes Project 0.00020.
gnomAD v4.1: 12 of 1,612,728 alleles (0.00074%); highest among the groups gnomAD compares: Admixed American, 0.005%; no homozygotes.

Submissions (2):

Labcorp Genetics (formerly Invitae), Labcorp
Classification: Likely benign for Left ventricular noncompaction 8. Last evaluated: 2022-10-17. Review status: criteria provided, single submitter. Criteria: Invitae Variant Classification Sherloc (09022015). Collection method: clinical testing. Allele origin: germline.

PreventionGenetics, part of Exact Sciences
Classification: Likely benign for PRDM16-related condition. Last evaluated: 2021-01-20. Review status: no assertion criteria provided. Collection method: clinical testing. Allele origin: germline. Not counted in ClinVar's aggregate classification.
Comment: This variant is classified as likely benign based on ACMG/AMP sequence variant interpretation guidelines (Richards et al. 2015 PMID: 25741868, with internal and published modifications).